The following is an entry in ClinVar:

ClinVar aggregate classification (germline): Uncertain significance. Review status: criteria provided, multiple submitters, no conflicts (2 of 4 stars). 2 submissions from 2 submitters: Uncertain significance (2). Last evaluated 2023-07-07.

Conditions:
Gorlin syndrome. Also called: Nevoid Basal Cell Carcinoma Syndrome; Basal cell nevus syndrome. Identifiers: Orphanet 377, MedGen C0004779, MONDO:0007187.
Hereditary cancer-predisposing syndrome. Also called: Hereditary neoplastic syndrome; Neoplastic Syndromes, Hereditary; Tumor predisposition; Hereditary Cancer Syndrome. Identifiers: Orphanet 140162, MedGen C0027672, MeSH D009386, MONDO:0015356.

Allele frequency attached by ClinVar (database versions not stated): gnomAD exomes below 0.00001.

Submissions (2):

Labcorp Genetics (formerly Invitae), Labcorp
Classification: Uncertain significance for Gorlin syndrome. Last evaluated: 2023-07-07. Review status: criteria provided, single submitter. Criteria: Invitae Variant Classification Sherloc (09022015). Collection method: clinical testing. Allele origin: germline.
Comment: ClinVar contains an entry for this variant (Variation ID: 1025008). Advanced modeling of protein sequence and biophysical properties (such as structural, functional, and spatial information, amino acid conservation, physicochemical variation, residue mobility, and thermodynamic stability) performed at Invitae indicates that this missense variant is not expected to disrupt PTCH1 protein function. In summary, the available evidence is currently insufficient to determine the role of this variant in disease. Therefore, it has been classified as a Variant of Uncertain Significance. This sequence change replaces valine, which is neutral and non-polar, with isoleucine, which is neutral and non-polar, at codon 580 of the PTCH1 protein (p.Val580Ile). This variant is not present in population databases (gnomAD no frequency). This variant has not been reported in the literature in individuals affected with PTCH1-related conditions.

Ambry Genetics
Classification: Uncertain significance for Hereditary cancer-predisposing syndrome. Last evaluated: 2022-09-12. Review status: criteria provided, single submitter. Criteria: Ambry Variant Classification Scheme 2023. Collection method: clinical testing. Allele origin: germline.
Comment: The p.V580I variant (also known as c.1738G>A), located in coding exon 13 of the PTCH1 gene, results from a G to A substitution at nucleotide position 1738. The valine at codon 580 is replaced by isoleucine, an amino acid with highly similar properties. This amino acid position is conserved. In addition, this alteration is predicted to be deleterious by in silico analysis. Since supporting evidence is limited at this time, the clinical significance of this alteration remains unclear.

NM_000264.5(PTCH1):c.1738G>A (p.Val580Ile)

Genes: PTCH1 (patched 1; minus strand), LOC100507346 (uncharacterized LOC100507346; plus strand). Cytogenetic location: 9q22.32.
Variant type: single nucleotide variant.
Coding change: c.1738G>A on transcript NM_000264.5 (MANE Select); coding-DNA position 1738, G replaced by A.
Protein change: p.Val580Ile; replaces valine 580 with isoleucine.
Molecular consequence: missense variant. On other transcripts: non-coding transcript variant (2).
Genome position (GRCh38, 1-based): chr9:95,469,922, C>T on the plus strand (G>A on the coding strand, the complement: PTCH1 is on the minus strand). VCF-style: chr9-95469922-C-T. GRCh37 (hg19) VCF-style: chr9-98232204-C-T.
Other names: c.1540G>A, p.Val514Ile (NM_001083602.3); c.1735G>A, p.Val579Ile (NM_001083603.3); c.1285G>A, p.Val429Ile (NM_001083604.3, NM_001083605.3, NM_001083606.3 and 1 more transcripts); c.1582G>A, p.Val528Ile (NM_001354918.2); short protein forms V429I, V514I, V528I, V579I, V580I.
Identifiers: ClinVar variation 1025008 (VCV001025008.11), dbSNP rs1840408569, ClinGen allele CA374116462.